The following is an entry in ClinVar:

ClinVar aggregate classification (germline): Uncertain significance (1 of 4 stars; one submission).

Conditions:
Cardiovascular phenotype. Identifiers: MedGen CN230736.

Allele frequency attached by ClinVar (database versions not stated): TOPMed 0.00001.

Submission:

Ambry Genetics
Classification: Uncertain significance for Cardiovascular phenotype. Last evaluated: 2023-07-24. Review status: criteria provided, single submitter. Criteria: Ambry Variant Classification Scheme 2023. Collection method: clinical testing. Allele origin: germline.
Comment: The p.V585M variant (also known as c.1753G>A), located in coding exon 15 of the ACTN2 gene, results from a G to A substitution at nucleotide position 1753. The valine at codon 585 is replaced by methionine, an amino acid with highly similar properties. This amino acid position is conserved. In addition, this alteration is predicted to be tolerated by in silico analysis. Since supporting evidence is limited at this time, the clinical significance of this alteration remains unclear.

NM_001103.4(ACTN2):c.1753G>A (p.Val585Met)

Gene: ACTN2 (actinin alpha 2; plus strand). Cytogenetic location: 1q43.
Variant type: single nucleotide variant.
Coding change: c.1753G>A on transcript NM_001103.4 (MANE Select); coding-DNA position 1753, G replaced by A.
Protein change: p.Val585Met; replaces valine 585 with methionine.
Molecular consequence: missense variant. On other transcripts: non-coding transcript variant (1).
Genome position (GRCh38, 1-based): chr1:236,751,566, G>A. VCF-style: chr1-236751566-G-A. GRCh37 (hg19) VCF-style: chr1-236914866-G-A.
Other names: c.1753G>A, p.Val585Met (NM_001278343.2); c.1129G>A, p.Val377Met (NM_001278344.2); c.1003G>A, p.Val335Met (NM_001412150.1); short protein forms V585M, V377M, V335M.
Identifiers: ClinVar variation 2625128 (VCV002625128.2), dbSNP rs1659396339, ClinGen allele CA345385992.